The following is an entry in ClinVar:

ClinVar aggregate classification (germline): Likely benign. Review status: criteria provided, single submitter (1 of 4 stars). 2 submissions from 2 submitters: Likely benign (1). 1 of the submissions does not count toward it. Last evaluated 2023-12-06.

Conditions:
CDH23-related disorder. Also called: CDH23-related condition; CDH23-related disorders.

Allele frequency attached by ClinVar (database versions not stated): TOPMed 0.00001; gnomAD exomes 0.00002; ESP Exome Variant Server 0.00008; ExAC 0.00006.
gnomAD v4.1: 17 of 1,602,150 alleles (0.0011%); highest among the groups gnomAD compares: South Asian, 0.013%; no homozygotes.

Submissions (2):

Labcorp Genetics (formerly Invitae), Labcorp
Classification: Likely benign. Last evaluated: 2023-12-06. Review status: criteria provided, single submitter. Criteria: Invitae Variant Classification Sherloc (09022015). Collection method: clinical testing. Allele origin: germline.

PreventionGenetics, part of Exact Sciences
Classification: Likely benign for CDH23-related condition. Last evaluated: 2019-04-12. Review status: no assertion criteria provided. Collection method: clinical testing. Allele origin: germline. Not counted in ClinVar's aggregate classification.
Comment: This variant is classified as likely benign based on ACMG/AMP sequence variant interpretation guidelines (Richards et al. 2015 PMID: 25741868, with internal and published modifications).

NM_022124.6(CDH23):c.2289+9G>A

Gene: CDH23 (cadherin related 23; plus strand). Cytogenetic location: 10q22.1.
Variant type: single nucleotide variant.
Coding change: c.2289+9G>A on transcript NM_022124.6 (MANE Select); 9 bases into the intron after coding-DNA position 2289, G replaced by A.
Molecular consequence: intron variant.
Genome position (GRCh38, 1-based): chr10:71,694,268, G>A. VCF-style: chr10-71694268-G-A. GRCh37 (hg19) VCF-style: chr10-73454025-G-A.
Other names: c.2289+9G>A (NM_022124.5, NM_001171930.2, NM_001171931.2).
Identifiers: ClinVar variation 1088501 (VCV001088501.11), dbSNP rs370927096, ClinGen allele CA5544152.